The following is an entry in ClinVar:

NM_001734.5(C1S):c.844G>A (p.Gly282Ser)

Gene: C1S (complement C1s; plus strand). Cytogenetic location: 12p13.31.
Variant type: single nucleotide variant.
Coding change: c.844G>A on transcript NM_001734.5 (MANE Select); coding-DNA position 844, G replaced by A.
Protein change: p.Gly282Ser; replaces glycine 282 with serine.
Molecular consequence: missense variant.
Genome position (GRCh38, 1-based): chr12:7,065,943, G>A. VCF-style: chr12-7065943-G-A. GRCh37 (hg19) VCF-style: chr12-7173247-G-A.
Other names: c.343G>A, p.Gly115Ser (NM_001346850.2); c.844G>A, p.Gly282Ser (NM_201442.4); short protein forms G115S, G282S.
Identifiers: ClinVar variation 1719592 (VCV001719592.5), dbSNP rs1947170338, ClinGen allele CA383697862.

ClinVar aggregate classification (germline): Uncertain significance (1 of 4 stars; one submission).

Submission:

Labcorp Genetics (formerly Invitae), Labcorp
Classification: Uncertain significance. Last evaluated: 2022-09-25. Review status: criteria provided, single submitter. Criteria: Invitae Variant Classification Sherloc (09022015). Collection method: clinical testing. Allele origin: germline.
Comment: This sequence change replaces glycine, which is neutral and non-polar, with serine, which is neutral and polar, at codon 282 of the C1S protein (p.Gly282Ser). This variant is not present in population databases (gnomAD no frequency). This variant has not been reported in the literature in individuals affected with C1S-related conditions. Advanced modeling of protein sequence and biophysical properties (such as structural, functional, and spatial information, amino acid conservation, physicochemical variation, residue mobility, and thermodynamic stability) performed at Invitae indicates that this missense variant is expected to disrupt C1S protein function. Algorithms developed to predict the effect of sequence changes on RNA splicing suggest that this variant may create or strengthen a splice site. In summary, the available evidence is currently insufficient to determine the role of this variant in disease. Therefore, it has been classified as a Variant of Uncertain Significance.